The following is an entry in ClinVar:

NM_001288705.3(CSF1R):c.70G>C (p.Glu24Gln)

Gene: CSF1R (colony stimulating factor 1 receptor; minus strand). Cytogenetic location: 5q32.
Variant type: single nucleotide variant.
Coding change: c.70G>C on transcript NM_001288705.3 (MANE Select); coding-DNA position 70, G replaced by C.
Protein change: p.Glu24Gln; replaces glutamic acid 24 with glutamine.
Molecular consequence: missense variant. On other transcripts: 5 prime UTR variant (1), non-coding transcript variant (2).
Genome position (GRCh38, 1-based): chr5:150,081,004, C>G on the plus strand (G>C on the coding strand, the complement: CSF1R is on the minus strand). VCF-style: chr5-150081004-C-G. GRCh37 (hg19) VCF-style: chr5-149460567-C-G.
Other names: c.70G>C, p.Glu24Gln (NM_001349736.2, NM_001375320.1, NM_005211.4); c.-375G>C (NM_001375321.1); short protein forms E24Q.
Identifiers: ClinVar variation 2779998 (VCV002779998.3), dbSNP rs1758517587, ClinGen allele CA361737936.

ClinVar aggregate classification (germline): Uncertain significance (1 of 4 stars; one submission).

Allele frequency attached by ClinVar (database versions not stated): gnomAD exomes below 0.00001.
gnomAD v4.1: 2 of 1,613,960 alleles (0.00012%); highest among the groups gnomAD compares: South Asian, 0.0011%; no homozygotes.

Submission:

Labcorp Genetics (formerly Invitae), Labcorp
Classification: Uncertain significance. Last evaluated: 2023-01-02. Review status: criteria provided, single submitter. Criteria: Invitae Variant Classification Sherloc (09022015). Collection method: clinical testing. Allele origin: germline.
Comment: In summary, the available evidence is currently insufficient to determine the role of this variant in disease. Therefore, it has been classified as a Variant of Uncertain Significance. Advanced modeling of protein sequence and biophysical properties (such as structural, functional, and spatial information, amino acid conservation, physicochemical variation, residue mobility, and thermodynamic stability) performed at Invitae indicates that this missense variant is not expected to disrupt CSF1R protein function. This variant has not been reported in the literature in individuals affected with CSF1R-related conditions. This variant is not present in population databases (gnomAD no frequency). This sequence change replaces glutamic acid, which is acidic and polar, with glutamine, which is neutral and polar, at codon 24 of the CSF1R protein (p.Glu24Gln).